The following is an entry in ClinVar:

ClinVar aggregate classification (germline): Benign (0 of 4 stars; one submission).

Conditions:
DYNC1I2-related disorder. Also called: DYNC1I2-related condition.

Submission:

PreventionGenetics, part of Exact Sciences
Classification: Benign for DYNC1I2-related condition. Last evaluated: 2024-03-11. Review status: no assertion criteria provided. Collection method: clinical testing. Allele origin: germline.
Comment: This variant is classified as benign based on ACMG/AMP sequence variant interpretation guidelines (Richards et al. 2015 PMID: 25741868, with internal and published modifications).

NM_001378.3(DYNC1I2):c.512-4dup

Gene: DYNC1I2 (dynein cytoplasmic 1 intermediate chain 2; plus strand). Cytogenetic location: 2q31.1.
Variant type: Duplication.
Coding change: c.512-4dup on transcript NM_001378.3 (MANE Select); 4 bases into the intron before coding-DNA position 512, one base duplicated (T; older notation c.512-4dupT).
Molecular consequence: intron variant.
Genome position (GRCh38, 1-based): chr2:171,725,614, T duplicated; the last of 16 consecutive T bases (chr2:171,725,599-171,725,614); duplicating any one gives the same sequence. VCF-style (leftmost placement, unchanged base first): chr2-171725598-G-GT. GRCh37 (hg19) VCF-style: chr2-172582108-G-GT.
Other names: c.488-4dup (NM_001271786.2, NM_001271787.2); c.494-4dup (NM_001320882.2, NM_001378455.1, NM_001320883.2 and 1 more transcripts); c.434-4dup (NM_001271788.2, NM_001271790.2, NM_001271789.2 and 1 more transcripts); c.512-4dup (NM_001271785.2).
Identifiers: ClinVar variation 3060840 (VCV003060840.2), dbSNP rs746910264, ClinGen allele CA1965610.